The following is an entry in ClinVar:

ClinVar aggregate classification (germline): Uncertain significance (1 of 4 stars; one submission).

Conditions:
Amyotrophic lateral sclerosis type 1 (ALS1). Also called: AMYOTROPHIC LATERAL SCLEROSIS 1, FAMILIAL. Identifiers: Orphanet 803, MedGen C1862939, MONDO:0007103, OMIM 105400.
Neuronopathy, distal hereditary motor, type 7B. Also called: HMN VIIB; LOWER MOTOR NEURON DISEASE, DYNACTIN TYPE; NEURONOPATHY, DISTAL HEREDITARY MOTOR, AUTOSOMAL DOMINANT 14; NEURONOPATHY, DISTAL HEREDITARY MOTOR, HARDING TYPE VIIB; NEUROPATHY, DISTAL HEREDITARY MOTOR, HARDING TYPE VIIB; NEUROPATHY, DISTAL HEREDITARY MOTOR, WITH VOCAL CORD PARALYSIS, HARDING TYPE VIIB. Identifiers: Orphanet 139589, MedGen C1843315, MONDO:0011879, OMIM 607641.
Perry syndrome. Also called: PARKINSONISM WITH ALVEOLAR HYPOVENTILATION AND MENTAL DEPRESSION. Identifiers: Orphanet 178509, MedGen C1868594, MONDO:0008201, OMIM 168605.

Submission:

Labcorp Genetics (formerly Invitae), Labcorp
Classification: Uncertain significance for Amyotrophic lateral sclerosis type 1; Neuronopathy, distal hereditary motor, type 7B; Perry syndrome. Last evaluated: 2023-07-17. Review status: criteria provided, single submitter. Criteria: Invitae Variant Classification Sherloc (09022015). Collection method: clinical testing. Allele origin: germline.
Comment: This variant has not been reported in the literature in individuals affected with DCTN1-related conditions. This sequence change replaces proline, which is neutral and non-polar, with alanine, which is neutral and non-polar, at codon 106 of the DCTN1 protein (p.Pro106Ala). This variant is not present in population databases (gnomAD no frequency). Advanced modeling of protein sequence and biophysical properties (such as structural, functional, and spatial information, amino acid conservation, physicochemical variation, residue mobility, and thermodynamic stability) performed at Invitae indicates that this missense variant is not expected to disrupt DCTN1 protein function. In summary, the available evidence is currently insufficient to determine the role of this variant in disease. Therefore, it has been classified as a Variant of Uncertain Significance.

NM_004082.5(DCTN1):c.316C>G (p.Pro106Ala)

Gene: DCTN1 (dynactin subunit 1; minus strand). Cytogenetic location: 2p13.1.
Variant type: single nucleotide variant.
Coding change: c.316C>G on transcript NM_004082.5 (MANE Select); coding-DNA position 316, C replaced by G.
Protein change: p.Pro106Ala; replaces proline 106 with alanine.
Molecular consequence: missense variant. On other transcripts: non-coding transcript variant (1).
Genome position (GRCh38, 1-based): chr2:74,377,690, G>C on the plus strand (C>G on the coding strand, the complement: DCTN1 is on the minus strand). VCF-style: chr2-74377690-G-C. GRCh37 (hg19) VCF-style: chr2-74604817-G-C.
Other names: c.316C>G, p.Pro106Ala (NM_001135040.3, NM_001190837.2); c.265C>G, p.Pro89Ala (NM_001190836.2, NM_001378991.1, NM_001378992.1); short protein forms P106A, P89A.
Identifiers: ClinVar variation 2949978 (VCV002949978.3), dbSNP rs2529213070, ClinGen allele CA347321203.